The following is an entry in ClinVar:

NM_000479.5(AMH):c.1013G>A (p.Arg338His)

Gene: AMH (anti-Mullerian hormone; plus strand). Cytogenetic location: 19p13.3.
Variant type: single nucleotide variant.
Coding change: c.1013G>A on transcript NM_000479.5 (MANE Select); coding-DNA position 1013, G replaced by A.
Protein change: p.Arg338His; replaces arginine 338 with histidine.
Molecular consequence: missense variant.
Genome position (GRCh38, 1-based): chr19:2,251,287, G>A. VCF-style: chr19-2251287-G-A. GRCh37 (hg19) VCF-style: chr19-2251286-G-A.
Other names: short protein forms R338H.
Identifiers: ClinVar variation 3361864 (VCV003361864.1).
Genomic context (GRCh38, chr19:2,251,287, plus strand): 5'-ACGCGCTGGCCGGCTTCCCGCAGGGCCTAGTCAACCTGTCGGACCCCGCGGCGCTGGAGC[G>A]CCTACTCGACGGCGAGGAGCCGCTGCTGCTGCTGCTGAGGCCCACTGCGGCCACCACCGG-3'
Protein context (NP_000470.3, residues 328-348): VNLSDPAALE[Arg338His]LLDGEEPLLL

ClinVar aggregate classification (germline): Uncertain significance (1 of 4 stars; one submission).

gnomAD v4.1: 117 of 1,503,466 alleles (0.0078%); highest among the groups gnomAD compares: South Asian, 0.011%; no homozygotes.

Submission:

GeneDx
Classification: Uncertain significance. Last evaluated: 2023-08-09. Review status: criteria provided, single submitter. Criteria: GeneDx Variant Classification Process June 2021. Collection method: clinical testing. Allele origin: germline. Affected: yes.
Comment: In silico analysis supports that this missense variant does not alter protein structure/function; This variant is associated with the following publications: (PMID: 30496128)